The following is an entry in ClinVar:

NM_001164508.2(NEB):c.9620G>A (p.Arg3207His)

Gene: NEB (nebulin; minus strand). Cytogenetic location: 2q23.3.
Variant type: single nucleotide variant.
Coding change: c.9620G>A on transcript NM_001164508.2 (MANE Select); coding-DNA position 9620, G replaced by A.
Protein change: p.Arg3207His; replaces arginine 3207 with histidine.
Molecular consequence: missense variant.
Genome position (GRCh38, 1-based): chr2:151,630,818, C>T on the plus strand (G>A on the coding strand, the complement: NEB is on the minus strand). VCF-style: chr2-151630818-C-T. GRCh37 (hg19) VCF-style: chr2-152487332-C-T.
Other names: p.Arg3207His; c.9620G>A, p.Arg3207His (NM_001164507.2, NM_001271208.2); c.8891G>A, p.Arg2964His (NM_004543.5); c.8891G>A (NM_004543.4); short protein forms R2964H, R3207H.
Identifiers: ClinVar variation 499819 (VCV000499819.38), dbSNP rs111841612, ClinGen allele CA1909249.

ClinVar aggregate classification (germline): Uncertain significance. Review status: criteria provided, multiple submitters, no conflicts (2 of 4 stars). 8 submissions from 8 submitters: Uncertain significance (7). 1 of the submissions does not count toward it. Last evaluated 2025-03-19.

Conditions:
Inborn genetic diseases. Identifiers: MedGen C0950123, MeSH D030342.
Nemaline myopathy 2 (NEM2). Also called: Nemaline myopathy 2, autosomal recessive. Identifiers: MedGen C1850569, MONDO:0009725, OMIM 256030.

Allele frequency attached by ClinVar (database versions not stated): gnomAD 0.00011 and 0.00013; 1000 Genomes Project 30x 0.00016; ESP Exome Variant Server 0.00017; TOPMed 0.00018; 1000 Genomes Project 0.00020; gnomAD exomes 0.00020; ExAC 0.00029.
gnomAD v4.1: 313 of 1,587,284 alleles (0.02%); highest among the groups gnomAD compares: Middle Eastern, 0.3%; 1 homozygote.

Submissions (8):

Revvity Omics, Revvity
Classification: Uncertain significance. Last evaluated: 2025-03-19. Review status: criteria provided, single submitter. Criteria: ACMG Guidelines, 2015. Collection method: clinical testing. Allele origin: germline.

Women's Health and Genetics/Laboratory Corporation of America, LabCorp
Classification: Uncertain significance. Last evaluated: 2024-04-04. Review status: criteria provided, single submitter. Criteria: LabCorp Variant Classification Summary - May 2015. Collection method: clinical testing. Allele origin: germline.
Comment: Variant summary: NEB c.9620G>A (p.Arg3207His) results in a non-conservative amino acid change in the encoded protein sequence. Three of five in-silico tools predict a damaging effect of the variant on protein function. The variant allele was found at a frequency of 0.0002 in 223262 control chromosomes. This frequency is not significantly higher than estimated for a pathogenic variant in NEB causing Nemaline Myopathy 2 (0.0002 vs 0.0035), allowing no conclusion about variant significance. To our knowledge, no occurrence of c.9620G>A in individuals affected with Nemaline Myopathy 2 and no experimental evidence demonstrating its impact on protein function have been reported. ClinVar contains an entry for this variant (Variation ID: 499819). Based on the evidence outlined above, the variant was classified as uncertain significance.

CeGaT Center for Human Genetics Tuebingen
Classification: Uncertain significance. Last evaluated: 2023-11-01. Review status: criteria provided, single submitter. Criteria: CeGaT Center For Human Genetics Tuebingen Variant Classification Criteria Version 2. Collection method: clinical testing. Allele origin: germline. Affected: yes. Observed: 1 variant allele.
Comment: NEB: PM2, BP4

Mayo Clinic Laboratories, Mayo Clinic
Classification: Uncertain significance. Last evaluated: 2023-02-13. Review status: criteria provided, single submitter. Criteria: ACMG Guidelines, 2015. Collection method: clinical testing. Allele origin: germline. Observed: 1 variant allele.
Comment: BP4

Labcorp Genetics (formerly Invitae), Labcorp
Classification: Uncertain significance for Nemaline myopathy 2. Last evaluated: 2022-10-24. Review status: criteria provided, single submitter. Criteria: Invitae Variant Classification Sherloc (09022015). Collection method: clinical testing. Allele origin: germline.
Comment: This sequence change replaces arginine, which is basic and polar, with histidine, which is basic and polar, at codon 3207 of the NEB protein (p.Arg3207His). This variant is present in population databases (rs111841612, gnomAD 0.08%). This variant has not been reported in the literature in individuals affected with NEB-related conditions. ClinVar contains an entry for this variant (Variation ID: 499819). Algorithms developed to predict the effect of missense changes on protein structure and function output the following: SIFT: "Deleterious"; PolyPhen-2: "Not Available"; Align-GVGD: "Class C0". The histidine amino acid residue is found in multiple mammalian species, which suggests that this missense change does not adversely affect protein function. In summary, the available evidence is currently insufficient to determine the role of this variant in disease. Therefore, it has been classified as a Variant of Uncertain Significance.

Ambry Genetics
Classification: Uncertain significance for Inborn genetic diseases. Last evaluated: 2021-08-13. Review status: criteria provided, single submitter. Criteria: Ambry Variant Classification Scheme 2023. Collection method: clinical testing. Allele origin: germline.

Eurofins Ntd Llc (ga)
Classification: Uncertain significance. Last evaluated: 2017-01-23. Review status: criteria provided, single submitter. Criteria: EGL Classification Definitions 2015. Collection method: clinical testing. Allele origin: germline. Observed: 1 variant allele, 1 heterozygote.

Natera, Inc.
Classification: Uncertain significance for Nemaline myopathy type 2. Last evaluated: 2020-01-17. Review status: no assertion criteria provided. Collection method: clinical testing. Allele origin: germline. Not counted in ClinVar's aggregate classification.